The following is an entry in ClinVar:

NM_020987.5(ANK3):c.11546A>G (p.Glu3849Gly)

Gene: ANK3 (ankyrin 3; minus strand). Cytogenetic location: 10q21.2.
Variant type: single nucleotide variant.
Coding change: c.11546A>G on transcript NM_020987.5 (MANE Select); coding-DNA position 11546, A replaced by G.
Protein change: p.Glu3849Gly; replaces glutamic acid 3849 with glycine.
Molecular consequence: missense variant. On other transcripts: intron variant (4).
Genome position (GRCh38, 1-based): chr10:60,069,335, T>C on the plus strand (A>G on the coding strand, the complement: ANK3 is on the minus strand). VCF-style: chr10-60069335-T-C. GRCh37 (hg19) VCF-style: chr10-61829093-T-C.
Other names: c.4388-1326A>G (NM_001204403.2); c.4409-1326A>G (NM_001204404.2); c.4406-1326A>G (NM_001320874.2); c.1808-1326A>G (NM_001149.4); c.11546A>G (NM_020987.3); short protein forms E3849G.
Identifiers: ClinVar variation 2585345 (VCV002585345.2), dbSNP rs1266711753, ClinGen allele CA376996624.
Genomic context (GRCh38, chr10:60,069,335, plus strand): 5'-GCCTTTATGGGAAGTTTGGATTTTTGCCTAATCCCTATCAATTCCTTTGTTTTTTGCTGT[T>C]CTCCAAGAACTTTCTGCTTATCTCTTACACAGTGTCCTTGTAGTACCCCTGTCTTTTTTC-3'
Protein context (NP_066267.2, residues 3839-3859): CVRDKQKVLG[Glu3849Gly]QQKTKELIGI

ClinVar aggregate classification (germline): Uncertain significance. Review status: criteria provided, multiple submitters, no conflicts (2 of 4 stars). 2 submissions from 2 submitters: Uncertain significance (2). Last evaluated 2023-07-19.

Conditions:
Intellectual developmental disorder, autosomal recessive 37. Also called: Intellectual disability-hypotonia-spasticity-sleep disorder syndrome. Identifiers: Orphanet 356996, MedGen C3809672, MONDO:0014210, OMIM 615493.
Inborn genetic diseases. Identifiers: MedGen C0950123, MeSH D030342.

Allele frequency attached by ClinVar (database versions not stated): gnomAD exomes below 0.00001.
gnomAD v4.1: 2 of 1,614,142 alleles (0.00012%); highest among the groups gnomAD compares: South Asian, 0.0022%; no homozygotes.

Submissions (2):

Ambry Genetics
Classification: Uncertain significance for Inborn genetic diseases. Last evaluated: 2023-07-19. Review status: criteria provided, single submitter. Criteria: Ambry Variant Classification Scheme 2023. Collection method: clinical testing. Allele origin: germline.

Neuberg Centre For Genomic Medicine, NCGM
Classification: Uncertain significance for Intellectual developmental disorder, autosomal recessive 37. Review status: criteria provided, single submitter. Criteria: ACMG Guidelines, 2015. Collection method: clinical testing. Allele origin: germline. Inheritance: Autosomal recessive inheritance. Affected: yes.
Comment: The missense variant c.11546A>G (p.Glu3849Gly) in ANK3 gene has not been reported previously as a pathogenic variant nor as a benign variant, to our knowledge. The p.Glu3849Gly variant is novel (not in any individuals) in 1000 Genomes and has a frequency of 0.0008% in the gnomAD exomes database. The amino acid Glu at position 3849 is changed to a Gly changing protein sequence and it might alter its composition and physico-chemical properties. In silico tools predict the variant to be tolerated. The residue is conserved across species. The amino acid change p.Glu3849Gly in ANK3 is predicted as conserved by GERP++ and PhyloP across 100 vertebrates. For these reasons, this variant has been classified as Uncertain Significance.